The following is an entry in ClinVar:

NM_002582.4(PARN):c.1064del (p.Phe355fs)

Gene: PARN (poly(A)-specific ribonuclease; minus strand). Cytogenetic location: 16p13.12.
Variant type: Deletion.
Coding change: c.1064del on transcript NM_002582.4 (MANE Select); coding-DNA position 1064, one base deleted (T; older notation c.1064delT).
Protein change: p.Phe355fs; shifts the reading frame from phenylalanine 355.
Molecular consequence: frameshift variant.
Genome position (GRCh38, 1-based): chr16:14,584,364, A deleted on the plus strand (T on the coding strand, the reverse complement: PARN is on the minus strand); the first of 3 consecutive A bases (chr16:14,584,364-14,584,366); deleting any one gives the same sequence. VCF-style (leftmost placement, unchanged base first): chr16-14584363-GA-G. GRCh37 (hg19) VCF-style: chr16-14678220-GA-G.
Other names: c.881del, p.Phe294fs (NM_001134477.3); c.926del, p.Phe309fs (NM_001242992.2); short protein forms F294fs, F309fs, F355fs.
Identifiers: ClinVar variation 3755898 (VCV003755898.2).
Genomic context (GRCh38, chr16:14,584,363, plus strand): 5'-ATTATTACAAAGAGTTTGGAGGGTTTCCGGTTTAATATTCTTACCAACTTTAGGAGGGTT[GA>G]AAGGTGTCTCTTTTAACCGCTTTTCCAATTCCGCAAGGGATGTGTTGTTAATGATATCCT-3'

ClinVar aggregate classification (germline): Pathogenic (1 of 4 stars; one submission).

Conditions:
Dyskeratosis congenita, autosomal recessive 6 (DKCB6). Identifiers: MedGen C4225356, MONDO:0014600, OMIM 616353.
Pulmonary fibrosis and/or bone marrow failure, Telomere-related, 4. Also called: PULMONARY FIBROSIS AND/OR BONE MARROW FAILURE SYNDROME, TELOMERE-RELATED, 4. Identifiers: Orphanet 2032, MedGen C4225347, MONDO:0014612, OMIM 616371.

Submission:

Labcorp Genetics (formerly Invitae), Labcorp
Classification: Pathogenic for Dyskeratosis congenita, autosomal recessive 6; Pulmonary fibrosis and/or bone marrow failure, Telomere-related, 4. Last evaluated: 2024-04-16. Review status: criteria provided, single submitter. Criteria: Invitae Variant Classification Sherloc (09022015). Collection method: clinical testing. Allele origin: germline.
Comment: This sequence change creates a premature translational stop signal (p.Phe355Serfs*43) in the PARN gene. It is expected to result in an absent or disrupted protein product. Loss-of-function variants in PARN are known to be pathogenic (PMID: 9736620, 25848748, 26810774). This variant is not present in population databases (gnomAD no frequency). This variant has not been reported in the literature in individuals affected with PARN-related conditions. For these reasons, this variant has been classified as Pathogenic.

Literature cited by the submitters: PubMed 9736620; PubMed 25848748; PubMed 26810774.